The following is an entry in ClinVar:

ClinVar aggregate classification (germline): Likely benign. Review status: criteria provided, single submitter (1 of 4 stars). 2 submissions from 2 submitters: Likely benign (1). 1 of the submissions does not count toward it. Last evaluated 2025-08-11.

Conditions:
ZNF469-related disorder. Also called: ZNF469-related condition.

Allele frequency attached by ClinVar (database versions not stated): gnomAD 0.00001; gnomAD exomes 0.00002; TOPMed below 0.00001.
gnomAD v4.1: 26 of 1,548,684 alleles (0.0017%); highest among the groups gnomAD compares: Non-Finnish European, 0.0023%; no homozygotes.

Submissions (2):

Labcorp Genetics (formerly Invitae), Labcorp
Classification: Likely benign. Last evaluated: 2025-08-11. Review status: criteria provided, single submitter. Criteria: Invitae Variant Classification Sherloc (09022015). Collection method: clinical testing. Allele origin: germline.

PreventionGenetics, part of Exact Sciences
Classification: Likely benign for ZNF469-related condition. Last evaluated: 2021-11-03. Review status: no assertion criteria provided. Collection method: clinical testing. Allele origin: germline. Not counted in ClinVar's aggregate classification.
Comment: This variant is classified as likely benign based on ACMG/AMP sequence variant interpretation guidelines (Richards et al. 2015 PMID: 25741868, with internal and published modifications).

NM_001367624.2(ZNF469):c.6264C>T (p.Ser2088=)

Gene: ZNF469 (zinc finger protein 469; plus strand). Cytogenetic location: 16q24.2.
Variant type: single nucleotide variant.
Coding change: c.6264C>T on transcript NM_001367624.2 (MANE Select); coding-DNA position 6264, C replaced by T.
Protein change: p.Ser2088=; no amino-acid change (serine 2088 retained).
Molecular consequence: synonymous variant.
Genome position (GRCh38, 1-based): chr16:88,433,734, C>T. VCF-style: chr16-88433734-C-T. GRCh37 (hg19) VCF-style: chr16-88500142-C-T.
Other names: NM_001127464.2:c.6180C>T.
Identifiers: ClinVar variation 2888265 (VCV002888265.5), dbSNP rs1187194395, ClinGen allele CA497355987.